The following is an entry in ClinVar:

ClinVar aggregate classification (germline): Pathogenic (1 of 4 stars; one submission).

Conditions:
Succinate-semialdehyde dehydrogenase deficiency (SSADHD). Also called: GABA METABOLIC DEFECT; SSADH DEFICIENCY; 4-HYDROXYBUTYRIC ACIDURIA; Succinic Semialdehyde Dehydrogenase Deficiency. Identifiers: Orphanet 22, MedGen C0268631, MONDO:0010083, OMIM 271980.

gnomAD v4.1: 3 of 1,532,682 alleles (0.0002%); highest among the groups gnomAD compares: Non-Finnish European, 0.00026%; no homozygotes.

Submission:

Labcorp Genetics (formerly Invitae), Labcorp
Classification: Pathogenic for Succinate-semialdehyde dehydrogenase deficiency. Last evaluated: 2021-11-27. Review status: criteria provided, single submitter. Criteria: Invitae Variant Classification Sherloc (09022015). Collection method: clinical testing. Allele origin: germline.
Comment: For these reasons, this variant has been classified as Pathogenic. This variant has not been reported in the literature in individuals affected with ALDH5A1-related conditions. This variant is not present in population databases (gnomAD no frequency). This sequence change creates a premature translational stop signal (p.Lys118*) in the ALDH5A1 gene. It is expected to result in an absent or disrupted protein product. Loss-of-function variants in ALDH5A1 are known to be pathogenic (PMID: 14635103).

Literature cited by the submitters: PubMed 14635103.

NM_001080.3(ALDH5A1):c.352A>T (p.Lys118Ter)

Genes: ALDH5A1 (aldehyde dehydrogenase 5 family member A1; plus strand), LOC129995978 (ATAC-STARR-seq lymphoblastoid silent region 16989; plus strand). Cytogenetic location: 6p22.3.
Variant type: single nucleotide variant.
Coding change: c.352A>T on transcript NM_001080.3 (MANE Select); coding-DNA position 352, A replaced by T.
Protein change: p.Lys118Ter; replaces lysine 118 with a stop codon.
Molecular consequence: nonsense.
Genome position (GRCh38, 1-based): chr6:24,495,348, A>T. VCF-style: chr6-24495348-A-T. GRCh37 (hg19) VCF-style: chr6-24495576-A-T.
Other names: c.352A>T, p.Lys118Ter (NM_001368954.1, NM_170740.1); short protein forms K118*.
Identifiers: ClinVar variation 1452396 (VCV001452396.6), dbSNP rs2127379151, ClinGen allele CA362968748.